The following is an entry in ClinVar:

ClinVar aggregate classification (germline): Uncertain significance (1 of 4 stars; one submission).

gnomAD v4.1: 1 of 1,563,954 alleles (0.000064%); highest among the groups gnomAD compares: Non-Finnish European, 0.000087%; no homozygotes.

Submission:

Mayo Clinic Laboratories, Mayo Clinic
Classification: Uncertain significance. Last evaluated: 2025-10-22. Review status: criteria provided, single submitter. Criteria: ACMG Guidelines, 2015. Collection method: clinical testing. Allele origin: germline. Observed: 1 variant allele.
Comment: PM2_supporting

NM_014855.3(AP5Z1):c.360G>C (p.Leu120Phe)

Gene: AP5Z1 (adaptor related protein complex 5 subunit zeta 1; plus strand). Cytogenetic location: 7p22.1.
Variant type: single nucleotide variant.
Coding change: c.360G>C on transcript NM_014855.3 (MANE Select); coding-DNA position 360, G replaced by C.
Protein change: p.Leu120Phe; replaces leucine 120 with phenylalanine.
Molecular consequence: missense variant. On other transcripts: non-coding transcript variant (1), intron variant (1).
Genome position (GRCh38, 1-based): chr7:4,781,748, G>C. VCF-style: chr7-4781748-G-C. GRCh37 (hg19) VCF-style: chr7-4821379-G-C.
Other names: p.Leu120Phe; c.-103+436G>C (NM_001364858.1); short protein forms L120F.
Identifiers: ClinVar variation 4541256 (VCV004541256.1).